The following is an entry in ClinVar:

ClinVar aggregate classification (germline): Uncertain significance (0 of 4 stars; one submission).

Conditions:
PKHD1-related disorder. Also called: PKHD1-related condition.

gnomAD v4.1: 1 of 1,614,036 alleles (0.000062%); highest among the groups gnomAD compares: Admixed American, 0.0017%; no homozygotes.

Submission:

PreventionGenetics, part of Exact Sciences
Classification: Uncertain significance for PKHD1-related condition. Last evaluated: 2024-04-23. Review status: no assertion criteria provided. Collection method: clinical testing. Allele origin: germline.
Comment: The PKHD1 c.3410C>G variant is predicted to result in the amino acid substitution p.Thr1137Arg. To our knowledge, this variant has not been reported in the literature. This variant is reported in 0.0029% of alleles in individuals of Latino descent in gnomAD. At this time, the clinical significance of this variant is uncertain due to the absence of conclusive functional and genetic evidence.

NM_138694.4(PKHD1):c.3410C>G (p.Thr1137Arg)

Gene: PKHD1 (PKHD1 ciliary IPT domain containing fibrocystin/polyductin; minus strand). Cytogenetic location: 6p12.2.
Variant type: single nucleotide variant.
Coding change: c.3410C>G on transcript NM_138694.4 (MANE Select); coding-DNA position 3410, C replaced by G.
Protein change: p.Thr1137Arg; replaces threonine 1137 with arginine.
Molecular consequence: missense variant.
Genome position (GRCh38, 1-based): chr6:52,028,306, G>C on the plus strand (C>G on the coding strand, the complement: PKHD1 is on the minus strand). VCF-style: chr6-52028306-G-C. GRCh37 (hg19) VCF-style: chr6-51893104-G-C.
Other names: c.3410C>G, p.Thr1137Arg (NM_170724.3); short protein forms T1137R.
Identifiers: ClinVar variation 3356111 (VCV003356111.1).
Genomic context (GRCh38, chr6:52,028,306, plus strand): 5'-GCCGACTGTGTGTGAACCGGAGCCAAGGCATCCTGGACGTGGACTTCCACATCCAAATCC[G>C]TATAGTTCATCAGCCTCGCCACTCCAATGACCAGGGTCTCACCGCCTGTGTTGAGAAGAA-3'
Protein context (NP_619639.3, residues 1127-1147): VIGVARLMNY[Thr1137Arg]DLDVEVHVQD